The following is an entry in ClinVar:

NM_018230.3(NUP133):c.2127A>G (p.Gln709=)

Gene: NUP133 (nucleoporin 133; minus strand). Cytogenetic location: 1q42.13.
Variant type: single nucleotide variant.
Coding change: c.2127A>G on transcript NM_018230.3 (MANE Select); coding-DNA position 2127, A replaced by G.
Protein change: p.Gln709=; no amino-acid change (glutamine 709 retained).
Molecular consequence: synonymous variant.
Genome position (GRCh38, 1-based): chr1:229,466,706, T>C on the plus strand (A>G on the coding strand, the complement: NUP133 is on the minus strand). VCF-style: chr1-229466706-T-C. GRCh37 (hg19) VCF-style: chr1-229602453-T-C.
Identifiers: ClinVar variation 4991888 (VCV004991888.1).

ClinVar aggregate classification (germline): Likely benign (1 of 4 stars; one submission).

Conditions:
NUP133-related disorder. Also called: NUP133-related condition.

gnomAD v4.1: 1 of 1,613,816 alleles (0.000062%); highest among the groups gnomAD compares: African/African-American, 0.0013%; no homozygotes.

Submission:

PreventionGenetics, part of Exact Sciences
Classification: Likely benign for NUP133-related condition. Last evaluated: 2026-08-24. Review status: criteria provided, single submitter. Criteria: ACMG Guidelines, 2015. Collection method: clinical testing. Allele origin: germline.
Comment: This variant is classified as likely benign based on ACMG/AMP sequence variant interpretation guidelines (Richards et al. 2015 PMID: 25741868, with internal and published modifications).